The following is an entry in ClinVar:

ClinVar aggregate classification (germline): Likely benign. Review status: criteria provided, multiple submitters, no conflicts (2 of 4 stars). 3 submissions from 3 submitters: Likely benign (3). Last evaluated 2026-01-11.

Conditions:
Mucopolysaccharidosis, MPS-III-C (MPS3C). Also called: MUCOPOLYSACCHARIDOSIS, TYPE IIIC; mucopolysaccharidosis type 3C; SANFILIPPO SYNDROME C; MPS III C; MPS IIIC (Sanfilippo Syndrome Type C); Mucopolysaccharidosis type IIIC (Sanfilippo C). Identifiers: Orphanet 581, Orphanet 79271, MedGen C0086649, MONDO:0009657, OMIM 252930.
Retinitis pigmentosa 73 (RP73). Identifiers: Orphanet 791, MedGen C4225287, MONDO:0014687, OMIM 616544.
HGSNAT-related disorder. Also called: HGSNAT-related condition.

Allele frequency attached by ClinVar (database versions not stated): gnomAD exomes 0.00009 and 0.00002; gnomAD 0.00017 and 0.00016; ExAC 0.00004; 1000 Genomes Project 0.00040; TOPMed 0.00014; 1000 Genomes Project 30x 0.00062.
gnomAD v4.1: 59 of 1,613,794 alleles (0.0037%); highest among the groups gnomAD compares: African/African-American, 0.049%; no homozygotes.

Submissions (3):

Labcorp Genetics (formerly Invitae), Labcorp
Classification: Likely benign for Retinitis pigmentosa 73; Mucopolysaccharidosis, MPS-III-C. Last evaluated: 2026-01-11. Review status: criteria provided, single submitter. Criteria: Invitae Variant Classification Sherloc (09022015). Collection method: clinical testing. Allele origin: germline.

PreventionGenetics, part of Exact Sciences
Classification: Likely benign for HGSNAT-related condition. Last evaluated: 2024-10-28. Review status: criteria provided, single submitter. Criteria: ACMG Guidelines, 2015. Collection method: clinical testing. Allele origin: germline.
Comment: This variant is classified as likely benign based on ACMG/AMP sequence variant interpretation guidelines (Richards et al. 2015 PMID: 25741868, with internal and published modifications).

Blueprint Genetics
Classification: Likely benign. Last evaluated: 2024-04-16. Review status: criteria provided, single submitter. Criteria: ACMG Guidelines, 2015. Collection method: clinical testing. Allele origin: germline.

NM_152419.3(HGSNAT):c.321C>T (p.His107=)

Gene: HGSNAT (heparan-alpha-glucosaminide N-acetyltransferase; plus strand). Cytogenetic location: 8p11.21.
Variant type: single nucleotide variant.
Coding change: c.321C>T on transcript NM_152419.3 (MANE Select); coding-DNA position 321, C replaced by T.
Protein change: p.His107=; no amino-acid change (histidine 107 retained).
Molecular consequence: synonymous variant. On other transcripts: 5 prime UTR variant (1).
Genome position (GRCh38, 1-based): chr8:43,158,661, C>T. VCF-style: chr8-43158661-C-T. GRCh37 (hg19) VCF-style: chr8-43013804-C-T.
Other names: c.321C>T, p.His107= (NM_001363227.2, NM_001363228.2); c.-513C>T (NM_001363229.2).
Identifiers: ClinVar variation 735617 (VCV000735617.12), dbSNP rs571883806, ClinGen allele CA4736481.